The following is an entry in ClinVar:

ClinVar aggregate classification (germline): Uncertain significance (1 of 4 stars; one submission).

Submission:

Greenwood Genetic Center Diagnostic Laboratories, Greenwood Genetic Center
Classification: Uncertain significance. Last evaluated: 2026-04-24. Review status: criteria provided, single submitter. Criteria: ACMG Guidelines, 2015. Collection method: clinical testing. Allele origin: germline.
Comment: PM2, PP2

NM_006734.4(HIVEP2):c.638G>T (p.Gly213Val)

Gene: HIVEP2 (HIVEP zinc finger 2; minus strand). Cytogenetic location: 6q24.2.
Variant type: single nucleotide variant.
Coding change: c.638G>T on transcript NM_006734.4 (MANE Select); coding-DNA position 638, G replaced by T.
Protein change: p.Gly213Val; replaces glycine 213 with valine.
Molecular consequence: missense variant.
Genome position (GRCh38, 1-based): chr6:142,774,101, C>A on the plus strand (G>T on the coding strand, the complement: HIVEP2 is on the minus strand). VCF-style: chr6-142774101-C-A. GRCh37 (hg19) VCF-style: chr6-143095238-C-A.
Other names: c.638G>T, p.Gly213Val (NM_001438449.1, NM_001438450.1, NM_001438451.1); short protein forms G213V.
Identifiers: ClinVar variation 4891030 (VCV004891030.1).